The following is an entry in ClinVar:

ClinVar aggregate classification (germline): Likely benign. Review status: criteria provided, multiple submitters, no conflicts (2 of 4 stars). 2 submissions from 2 submitters: Likely benign (2). Last evaluated 2024-11-18.

Conditions:
RAB3A-related condition.

Allele frequency attached by ClinVar (database versions not stated): ExAC 0.00022; 1000 Genomes Project 0.00040; 1000 Genomes Project 30x 0.00047; ESP Exome Variant Server 0.00054; gnomAD 0.00062 and 0.00068; TOPMed 0.00088.
gnomAD v4.1: 261 of 1,614,060 alleles (0.016%); highest among the groups gnomAD compares: African/African-American, 0.25%; no homozygotes.

Submissions (2):

PreventionGenetics, part of Exact Sciences
Classification: Likely benign for RAB3A-related condition. Last evaluated: 2024-11-18. Review status: criteria provided, single submitter. Criteria: ACMG Guidelines, 2015. Collection method: clinical testing. Allele origin: germline.
Comment: This variant is classified as likely benign based on ACMG/AMP sequence variant interpretation guidelines (Richards et al. 2015 PMID: 25741868, with internal and published modifications).

Labcorp Genetics (formerly Invitae), Labcorp
Classification: Likely benign. Last evaluated: 2018-04-16. Review status: criteria provided, single submitter. Criteria: Invitae Variant Classification Sherloc (09022015). Collection method: clinical testing. Allele origin: germline.

NM_002866.5(RAB3A):c.270A>G (p.Ala90=)

Gene: RAB3A (RAB3A, member RAS oncogene family; minus strand). Cytogenetic location: 19p13.11.
Variant type: single nucleotide variant.
Coding change: c.270A>G on transcript NM_002866.5 (MANE Select); coding-DNA position 270, A replaced by G.
Protein change: p.Ala90=; no amino-acid change (alanine 90 retained).
Molecular consequence: synonymous variant.
Genome position (GRCh38, 1-based): chr19:18,200,404, T>C on the plus strand (A>G on the coding strand, the complement: RAB3A is on the minus strand). VCF-style: chr19-18200404-T-C. GRCh37 (hg19) VCF-style: chr19-18311214-T-C.
Identifiers: ClinVar variation 726308 (VCV000726308.4), dbSNP rs142919760, ClinGen allele CA9307967.